The following is an entry in ClinVar:

NM_021008.4(DEAF1):c.-163_64del (p.Met1fs)

Gene: DEAF1 (DEAF1 transcription factor; minus strand). Cytogenetic location: 11p15.5.
Variant type: Deletion.
Coding change: c.-163_64del on transcript NM_021008.4 (MANE Select); 163 bases upstream of the start codon through coding-DNA position 64, 227 bases deleted.
Protein change: p.Met1fs; shifts the reading frame from methionine 1.
Molecular consequence: frameshift variant, initiator codon variant. On other transcripts: intron variant (1).
Genome position (GRCh38, 1-based): chr11:694,984-695,210, 227 bases deleted. GRCh37 (hg19): chr11:694,986-695,212.
Other names: c.-165_62del227, p.Met(?_1)_Ala21(?) (NM_001293634.2); c.-437-3612_-437-3386del (NM_001367390.1); short protein forms M1fs.
Identifiers: ClinVar variation 2848676 (VCV002848676.3), dbSNP rs2494508002, ClinGen allele CA2739276075.

ClinVar aggregate classification (germline): Uncertain significance (1 of 4 stars; one submission).

Submission:

Labcorp Genetics (formerly Invitae), Labcorp
Classification: Uncertain significance. Last evaluated: 2026-01-06. Review status: criteria provided, single submitter. Criteria: Invitae Variant Classification Sherloc (09022015). Collection method: clinical testing. Allele origin: germline.
Comment: This sequence change affects the initiator codon of the DEAF1 mRNA. This change may impact translation initiation or efficiency. The next in-frame methionine is located at codon 69. This variant is not present in population databases (gnomAD no frequency). This variant has not been reported in the literature in individuals affected with DEAF1-related conditions. Experimental studies and prediction algorithms are not available or were not evaluated, and the functional significance of this variant is currently unknown. In summary, the available evidence is currently insufficient to determine the role of this variant in disease. Therefore, it has been classified as a Variant of Uncertain Significance.